The following is an entry in ClinVar:

ClinVar aggregate classification (germline): Uncertain significance (1 of 4 stars; one submission).

Conditions:
Optic atrophy 3 (OPA3). Also called: Optic atrophy, cataract, and neurologic disorder; OPTIC ATROPHY 3, AUTOSOMAL DOMINANT; Optic atrophy 3 with cataract. Identifiers: Orphanet 67036, MedGen C1833809, MONDO:0008133, OMIM 165300.
3-Methylglutaconic aciduria type 3 (MGCA3). Also called: OPA3, AUTOSOMAL RECESSIVE; OPTIC ATROPHY 3, AUTOSOMAL RECESSIVE; OPA3-Related 3-Methylglutaconic Aciduria; Costeff Syndrome. Identifiers: Orphanet 67047, MedGen C0574084, MONDO:0009787, OMIM 258501.

Allele frequency attached by ClinVar (database versions not stated): gnomAD exomes below 0.00001.
gnomAD v4.1: 1 of 1,608,236 alleles (0.000062%); highest among the groups gnomAD compares: Admixed American, 0.0017%; no homozygotes.

Submission:

Labcorp Genetics (formerly Invitae), Labcorp
Classification: Uncertain significance for 3-Methylglutaconic aciduria type 3; Optic atrophy 3. Last evaluated: 2025-06-27. Review status: criteria provided, single submitter. Criteria: Invitae Variant Classification Sherloc (09022015). Collection method: clinical testing. Allele origin: germline.
Comment: This sequence change replaces glutamine, which is neutral and polar, with lysine, which is basic and polar, at codon 146 of the OPA3 protein (p.Gln146Lys). This variant is not present in population databases (gnomAD no frequency). This variant has not been reported in the literature in individuals affected with OPA3-related conditions. ClinVar contains an entry for this variant (Variation ID: 1977763). An algorithm developed to predict the effect of missense changes on protein structure and function (PolyPhen-2) suggests that this variant is likely to be tolerated. In summary, the available evidence is currently insufficient to determine the role of this variant in disease. Therefore, it has been classified as a Variant of Uncertain Significance.

NM_025136.4(OPA3):c.436C>A (p.Gln146Lys)

Genes: OPA3 (outer mitochondrial membrane lipid metabolism regulator OPA3; minus strand), OPA3-RTN2 (OPA3-RTN2 readthrough; minus strand). Cytogenetic location: 19q13.32.
Variant type: single nucleotide variant.
Coding change: c.436C>A on transcript NM_025136.4 (MANE Select); coding-DNA position 436, C replaced by A.
Protein change: p.Gln146Lys; replaces glutamine 146 with lysine.
Molecular consequence: missense variant. On other transcripts: intron variant (1).
Genome position (GRCh38, 1-based): chr19:45,553,618, G>T on the plus strand (C>A on the coding strand, the complement: OPA3 is on the minus strand). VCF-style: chr19-45553618-G-T. GRCh37 (hg19) VCF-style: chr19-46056876-G-T.
Other names: c.143-24162C>A (NM_001017989.3); short protein forms Q146K.
Identifiers: ClinVar variation 1977763 (VCV001977763.5), dbSNP rs2513823450, ClinGen allele CA406369999.